The following is an entry in ClinVar:

ClinVar aggregate classification (germline): Likely benign (1 of 4 stars; one submission).

Allele frequency attached by ClinVar (database versions not stated): 1000 Genomes Project 0.00200; 1000 Genomes Project 30x 0.00219; ExAC 0.00445; gnomAD 0.00453; TOPMed 0.00475; ESP Exome Variant Server 0.00593; gnomAD exomes 0.00682.
gnomAD v4.1: 10,580 of 1,613,790 alleles (0.66%); highest among the groups gnomAD compares: Non-Finnish European, 0.81%; 41 homozygotes.

Submission:

CeGaT Center for Human Genetics Tuebingen
Classification: Likely benign. Last evaluated: 2022-08-01. Review status: criteria provided, single submitter. Criteria: CeGaT Center For Human Genetics Tuebingen Variant Classification Criteria Version 2. Collection method: clinical testing. Allele origin: germline. Affected: yes. Observed: 2 variant alleles.
Comment: AHCTF1: BP4, BP7

NM_001323342.2(AHCTF1):c.5244C>T (p.Asn1748=)

Gene: AHCTF1 (AT-hook containing transcription factor 1; minus strand). Cytogenetic location: 1q44.
Variant type: single nucleotide variant.
Coding change: c.5244C>T on transcript NM_001323342.2 (MANE Select); coding-DNA position 5244, C replaced by T.
Protein change: p.Asn1748=; no amino-acid change (asparagine 1748 retained).
Molecular consequence: synonymous variant. On other transcripts: non-coding transcript variant (1).
Genome position (GRCh38, 1-based): chr1:246,850,762, G>A on the plus strand (C>T on the coding strand, the complement: AHCTF1 is on the minus strand). VCF-style: chr1-246850762-G-A. GRCh37 (hg19) VCF-style: chr1-247014064-G-A.
Other names: c.5244C>T, p.Asn1748= (NM_001323343.2); c.5349C>T, p.Asn1783= (NM_001410950.1); c.5271C>T, p.Asn1757= (NM_015446.5).
Identifiers: ClinVar variation 2640238 (VCV002640238.24), dbSNP rs144747230, ClinGen allele CA1491265.